The following is an entry in ClinVar:

ClinVar aggregate classification (germline): Uncertain significance (1 of 4 stars; one submission).

gnomAD v4.1: 6 of 1,613,768 alleles (0.00037%); highest among the groups gnomAD compares: African/African-American, 0.0027%; no homozygotes.

Submission:

Labcorp Genetics (formerly Invitae), Labcorp
Classification: Uncertain significance. Last evaluated: 2022-04-08. Review status: criteria provided, single submitter. Criteria: Invitae Variant Classification Sherloc (09022015). Collection method: clinical testing. Allele origin: germline.
Comment: The frequency data for this variant in the population databases is considered unreliable, as metrics indicate poor data quality at this position in the gnomAD database. This sequence change replaces serine, which is neutral and polar, with phenylalanine, which is neutral and non-polar, at codon 279 of the ADAMTS18 protein (p.Ser279Phe). This variant has not been reported in the literature in individuals affected with ADAMTS18-related conditions. In summary, the available evidence is currently insufficient to determine the role of this variant in disease. Therefore, it has been classified as a Variant of Uncertain Significance. Algorithms developed to predict the effect of missense changes on protein structure and function are either unavailable or do not agree on the potential impact of this missense change (SIFT: "Not Available"; PolyPhen-2: "Benign"; Align-GVGD: "Not Available").

NM_199355.4(ADAMTS18):c.836C>T (p.Ser279Phe)

Gene: ADAMTS18 (ADAM metallopeptidase with thrombospondin type 1 motif 18; minus strand). Cytogenetic location: 16q23.1.
Variant type: single nucleotide variant.
Coding change: c.836C>T on transcript NM_199355.4 (MANE Select); coding-DNA position 836, C replaced by T.
Protein change: p.Ser279Phe; replaces serine 279 with phenylalanine.
Molecular consequence: missense variant.
Genome position (GRCh38, 1-based): chr16:77,364,324, G>A on the plus strand (C>T on the coding strand, the complement: ADAMTS18 is on the minus strand). VCF-style: chr16-77364324-G-A. GRCh37 (hg19) VCF-style: chr16-77398221-G-A.
Other names: c.320C>T, p.Ser107Phe (NM_001326358.2); short protein forms S279F, S107F.
Identifiers: ClinVar variation 1948538 (VCV001948538.5), dbSNP rs369167381, ClinGen allele CA396836892.